The following is an entry in ClinVar:

ClinVar aggregate classification (germline): Likely benign. Review status: criteria provided, multiple submitters, no conflicts (2 of 4 stars). 5 submissions from 5 submitters: Likely benign (5). Last evaluated 2026-01-27.

Allele frequency attached by ClinVar (database versions not stated): ESP Exome Variant Server 0.00043; ExAC 0.00047; gnomAD 0.00047 and 0.00051; gnomAD exomes 0.00053; TOPMed 0.00056; 1000 Genomes Project 0.00100; 1000 Genomes Project 30x 0.00125.
gnomAD v4.1: 1,300 of 1,539,396 alleles (0.084%); highest among the groups gnomAD compares: Middle Eastern, 0.59%; 1 homozygote.

Submissions (5):

Labcorp Genetics (formerly Invitae), Labcorp
Classification: Likely benign. Last evaluated: 2026-01-27. Review status: criteria provided, single submitter. Criteria: Invitae Variant Classification Sherloc (09022015). Collection method: clinical testing. Allele origin: germline.

Blueprint Genetics
Classification: Likely benign. Last evaluated: 2024-10-28. Review status: criteria provided, single submitter. Criteria: ACMG Guidelines, 2015. Collection method: clinical testing. Allele origin: germline.

CeGaT Center for Human Genetics Tuebingen
Classification: Likely benign. Last evaluated: 2024-05-01. Review status: criteria provided, single submitter. Criteria: CeGaT Center For Human Genetics Tuebingen Variant Classification Criteria Version 2. Collection method: clinical testing. Allele origin: germline. Affected: yes. Observed: 5 variant alleles.
Comment: KMT2B: BP4, BP7

GeneDx
Classification: Likely benign. Last evaluated: 2019-05-07. Review status: criteria provided, single submitter. Criteria: GeneDx Variant Classification Process June 2021. Collection method: clinical testing. Allele origin: germline. Affected: yes.
Comment: Has not been previously published as pathogenic or benign to our knowledge

Breakthrough Genomics
Classification: Likely benign. Review status: criteria provided, single submitter. Criteria: ACMG Guidelines, 2015. Collection method: not provided. Allele origin: germline. Inheritance: Autosomal dominant inheritance. Affected: yes.

NM_014727.3(KMT2B):c.6867G>A (p.Pro2289=)

Gene: KMT2B (lysine methyltransferase 2B; plus strand). Cytogenetic location: 19q13.12.
Variant type: single nucleotide variant.
Coding change: c.6867G>A on transcript NM_014727.3 (MANE Select); coding-DNA position 6867, G replaced by A.
Protein change: p.Pro2289=; no amino-acid change (proline 2289 retained).
Molecular consequence: synonymous variant.
Genome position (GRCh38, 1-based): chr19:35,733,416, G>A. VCF-style: chr19-35733416-G-A. GRCh37 (hg19) VCF-style: chr19-36224317-G-A.
Identifiers: ClinVar variation 724448 (VCV000724448.44), dbSNP rs199657659, ClinGen allele CA9385771.